The following is an entry in ClinVar:

NM_014679.5(CEP57):c.1048C>G (p.Pro350Ala)

Gene: CEP57 (centrosomal protein 57; plus strand). Cytogenetic location: 11q21.
Variant type: single nucleotide variant.
Coding change: c.1048C>G on transcript NM_014679.5 (MANE Select); coding-DNA position 1048, C replaced by G.
Protein change: p.Pro350Ala; replaces proline 350 with alanine.
Molecular consequence: missense variant.
Genome position (GRCh38, 1-based): chr11:95,827,948, C>G. VCF-style: chr11-95827948-C-G. GRCh37 (hg19) VCF-style: chr11-95561112-C-G.
Other names: c.1021C>G, p.Pro341Ala (NM_001243776.2); c.970C>G, p.Pro324Ala (NM_001243777.2); c.967C>G, p.Pro323Ala (NM_001363604.2); c.1048C>G (NM_014679.4); short protein forms P323A, P324A, P350A, P341A.
Identifiers: ClinVar variation 3574133 (VCV003574133.2).

ClinVar aggregate classification (germline): Uncertain significance. Review status: criteria provided, multiple submitters, no conflicts (2 of 4 stars). 2 submissions from 2 submitters: Uncertain significance (2). Last evaluated 2025-04-17.

Conditions:
Inborn genetic diseases. Identifiers: MedGen C0950123, MeSH D030342.
Mosaic variegated aneuploidy syndrome 2 (MVA2). Identifiers: Orphanet 1052, MedGen C3279843, MONDO:0013582, OMIM 614114.

gnomAD v4.1: 1 of 1,614,026 alleles (0.000062%); highest among the groups gnomAD compares: African/African-American, 0.0013%; no homozygotes.

Submissions (2):

Ambry Genetics
Classification: Uncertain significance for Inborn genetic diseases. Last evaluated: 2025-04-17. Review status: criteria provided, single submitter. Criteria: Ambry Variant Classification Scheme 2023. Collection method: clinical testing. Allele origin: germline.
Comment: The p.P350A variant (also known as c.1048C>G), located in coding exon 9 of the CEP57 gene, results from a C to G substitution at nucleotide position 1048. The proline at codon 350 is replaced by alanine, an amino acid with highly similar properties. This amino acid position is conserved. In addition, this alteration is predicted to be tolerated by in silico analysis. Based on the available evidence, the clinical significance of this variant remains unclear.

Fulgent Genetics
Classification: Uncertain significance for Mosaic variegated aneuploidy syndrome 2. Last evaluated: 2024-04-22. Review status: criteria provided, single submitter. Criteria: ACMG Guidelines, 2015. Collection method: clinical testing. Allele origin: germline.